The following is an entry in ClinVar:

ClinVar aggregate classification (germline): Pathogenic (1 of 4 stars; one submission).

Conditions:
Breast-ovarian cancer, familial, susceptibility to, 2 (BROVCA2). Also called: BRCA2 Hereditary Breast and Ovarian Cancer. Identifiers: Orphanet 145, MedGen C2675520, MONDO:0012933, OMIM 612555. Disease mechanism: loss of function.

Submission:

Myriad Genetics, Inc.
Classification: Pathogenic for Breast-ovarian cancer, familial, susceptibility to, 2. Last evaluated: 2023-01-17. Review status: criteria provided, single submitter. Criteria: Myriad Autosomal Dominant, Autosomal Recessive and X-Linked Classification Criteria (2023). Collection method: clinical testing. Allele origin: unknown.
Comment: This variant is considered pathogenic. This variant creates a frameshift predicted to result in premature protein truncation.

NM_000059.4(BRCA2):c.4812del (p.Val1605fs)

Gene: BRCA2 (BRCA2 DNA repair associated; plus strand). Cytogenetic location: 13q13.1.
Variant type: Deletion.
Coding change: c.4812del on transcript NM_000059.4 (MANE Select); coding-DNA position 4812, one base deleted (T; older notation c.4812delT).
Protein change: p.Val1605fs; shifts the reading frame from valine 1605.
Molecular consequence: frameshift variant.
Genome position (GRCh38, 1-based): chr13:32,339,167, T deleted; the last of 2 consecutive T bases (chr13:32,339,166-32,339,167); deleting either gives the same sequence. VCF-style (leftmost placement, unchanged base first): chr13-32339165-CT-C. GRCh37 (hg19) VCF-style: chr13-32913302-CT-C.
Other names: c.4812delT, p.Val1605Phefs (NM_001406719.1, NM_001406720.1); short protein forms V1605fs.
Identifiers: ClinVar variation 2431262 (VCV002431262.1), dbSNP rs2548529372, ClinGen allele CA2580087312.